The following is an entry in ClinVar:

ClinVar aggregate classification (germline): Likely benign (0 of 4 stars; one submission).

Conditions:
LZTFL1-related disorder. Also called: LZTFL1-related condition.

Allele frequency attached by ClinVar (database versions not stated): TOPMed 0.00001; gnomAD exomes 0.00002; gnomAD 0.00001.
gnomAD v4.1: 25 of 1,535,116 alleles (0.0016%); highest among the groups gnomAD compares: Non-Finnish European, 0.0019%; no homozygotes.

Submission:

PreventionGenetics, part of Exact Sciences
Classification: Likely benign for LZTFL1-related condition. Last evaluated: 2021-05-04. Review status: no assertion criteria provided. Collection method: clinical testing. Allele origin: germline.
Comment: This variant is classified as likely benign based on ACMG/AMP sequence variant interpretation guidelines (Richards et al. 2015 PMID: 25741868, with internal and published modifications).

NM_001276379.2(LZTFL1):c.66C>T (p.His22=)

Gene: LZTFL1 (leucine zipper transcription factor like 1; minus strand). Cytogenetic location: 3p21.31.
Variant type: single nucleotide variant.
Coding change: c.66C>T on transcript NM_001276379.2; coding-DNA position 66, C replaced by T.
Protein change: p.His22=; no amino-acid change (histidine 22 retained).
Molecular consequence: synonymous variant. On other transcripts: 5 prime UTR variant (4), non-coding transcript variant (1), intron variant (2).
Genome position (GRCh38, 1-based): chr3:45,855,036, G>A on the plus strand (C>T on the coding strand, the complement: LZTFL1 is on the minus strand). VCF-style: chr3-45855036-G-A. GRCh37 (hg19) VCF-style: chr3-45896528-G-A.
Other names: c.-99C>T (NM_001405927.1, NM_001405923.1, NM_001405926.1 and 1 more transcripts); c.28-16985C>T (NM_001405925.1, NM_001405920.1); c.66C>T, p.His22= (NM_001405921.1).
Identifiers: ClinVar variation 3029602 (VCV003029602.2), dbSNP rs934605978, ClinGen allele CA73630111.